The following is an entry in ClinVar:

NM_003331.5(TYK2):c.2648A>G (p.Asp883Gly)

Gene: TYK2 (tyrosine kinase 2; minus strand). Cytogenetic location: 19p13.2.
Variant type: single nucleotide variant.
Coding change: c.2648A>G on transcript NM_003331.5 (MANE Select); coding-DNA position 2648, A replaced by G.
Protein change: p.Asp883Gly; replaces aspartic acid 883 with glycine.
Molecular consequence: missense variant.
Genome position (GRCh38, 1-based): chr19:10,354,579, T>C on the plus strand (A>G on the coding strand, the complement: TYK2 is on the minus strand). VCF-style: chr19-10354579-T-C. GRCh37 (hg19) VCF-style: chr19-10465255-T-C.
Other names: c.2648A>G (NM_003331.4); c.2648A>G, p.Asp883Gly (NM_001385197.1, NM_001385198.1); c.2462A>G, p.Asp821Gly (NM_001385199.1); c.2645A>G, p.Asp882Gly (NM_001385200.1); c.2450A>G, p.Asp817Gly (NM_001385201.1); c.2564A>G, p.Asp855Gly (NM_001385202.1); c.2729A>G, p.Asp910Gly (NM_001385203.1); c.2858A>G, p.Asp953Gly (NM_001385204.1); and 3 more; short protein forms D817G, D821G, D841G, D853G, D855G, D877G, D882G, D883G.
Identifiers: ClinVar variation 1004854 (VCV001004854.8), dbSNP rs750627511, ClinGen allele CA9192973.

ClinVar aggregate classification (germline): Uncertain significance. Review status: criteria provided, multiple submitters, no conflicts (2 of 4 stars). 2 submissions from 2 submitters: Uncertain significance (2). Last evaluated 2025-11-20.

Conditions:
Inborn genetic diseases. Identifiers: MedGen C0950123, MeSH D030342.
Immunodeficiency 35 (IMD35). Also called: HIES WITH ATYPICAL MYCOBACTERIOSIS, AUTOSOMAL RECESSIVE; HYPER-IgE SYNDROME WITH ATYPICAL MYCOBACTERIOSIS, AUTOSOMAL RECESSIVE; TYK2 DEFICIENCY; Susceptibility to infection due to TYK2 deficiency. Identifiers: Orphanet 331226, MedGen C1969086, MONDO:0012682, OMIM 611521.

Allele frequency attached by ClinVar (database versions not stated): gnomAD exomes 0.00003 and 0.00004; ExAC 0.00004.
gnomAD v4.1: 49 of 1,613,298 alleles (0.003%); highest among the groups gnomAD compares: South Asian, 0.052%; 1 homozygote.

Submissions (2):

Ambry Genetics
Classification: Uncertain significance for Inborn genetic diseases. Last evaluated: 2025-11-20. Review status: criteria provided, single submitter. Criteria: Ambry Variant Classification Scheme 2023. Collection method: clinical testing. Allele origin: germline.

Labcorp Genetics (formerly Invitae), Labcorp
Classification: Uncertain significance for Immunodeficiency 35. Last evaluated: 2024-02-17. Review status: criteria provided, single submitter. Criteria: Invitae Variant Classification Sherloc (09022015). Collection method: clinical testing. Allele origin: germline.
Comment: This sequence change replaces aspartic acid, which is acidic and polar, with glycine, which is neutral and non-polar, at codon 883 of the TYK2 protein (p.Asp883Gly). This variant is present in population databases (rs750627511, gnomAD 0.04%). This variant has not been reported in the literature in individuals affected with TYK2-related conditions. ClinVar contains an entry for this variant (Variation ID: 1004854). An algorithm developed to predict the effect of missense changes on protein structure and function (PolyPhen-2) suggests that this variant¬†is likely to be tolerated. In summary, the available evidence is currently insufficient to determine the role of this variant in disease. Therefore, it has been classified as a Variant of Uncertain Significance.